The following is an entry in ClinVar:

ClinVar aggregate classification (germline): Uncertain significance. Review status: criteria provided, multiple submitters, no conflicts (2 of 4 stars). 2 submissions from 2 submitters: Uncertain significance (2). Last evaluated 2025-05-04.

Conditions:
Encephalopathy, acute, infection-induced (herpes-specific), susceptibility to, 1. Also called: Herpes simplex encephalitis, susceptibility to, 1. Identifiers: Orphanet 1930, MedGen C2750180, MONDO:0024563, OMIM 610551.

Allele frequency attached by ClinVar (database versions not stated): gnomAD 0.00038 and 0.00039; TOPMed 0.00032; gnomAD exomes 0.00003; 1000 Genomes Project 30x 0.00078.
gnomAD v4.1: 98 of 1,525,436 alleles (0.0064%); highest among the groups gnomAD compares: African/African-American, 0.12%; no homozygotes.

Submissions (2):

Ambry Genetics
Classification: Uncertain significance. Last evaluated: 2025-05-04. Review status: criteria provided, single submitter. Criteria: Ambry Variant Classification Scheme 2023. Collection method: clinical testing. Allele origin: germline.

Labcorp Genetics (formerly Invitae), Labcorp
Classification: Uncertain significance for Encephalopathy, acute, infection-induced (herpes-specific), susceptibility to, 1. Last evaluated: 2025-01-13. Review status: criteria provided, single submitter. Criteria: Invitae Variant Classification Sherloc (09022015). Collection method: clinical testing. Allele origin: germline.
Comment: This sequence change replaces arginine, which is basic and polar, with glycine, which is neutral and non-polar, at codon 51 of the UNC93B1 protein (p.Arg51Gly). The frequency data for this variant in the population databases is considered unreliable, as metrics indicate poor data quality at this position in the gnomAD database. This variant has not been reported in the literature in individuals affected with UNC93B1-related conditions. ClinVar contains an entry for this variant (Variation ID: 844807). Experimental studies and prediction algorithms are not available or were not evaluated, and the functional significance of this variant is currently unknown. In summary, the available evidence is currently insufficient to determine the role of this variant in disease. Therefore, it has been classified as a Variant of Uncertain Significance.

NM_030930.4(UNC93B1):c.151C>G (p.Arg51Gly)

Genes: UNC93B1 (unc-93B1 regulator of TLR signaling; minus strand), LOC130006235 (ATAC-STARR-seq lymphoblastoid silent region 3653; plus strand). Cytogenetic location: 11q13.2.
Variant type: single nucleotide variant.
Coding change: c.151C>G on transcript NM_030930.4 (MANE Select); coding-DNA position 151, C replaced by G.
Protein change: p.Arg51Gly; replaces arginine 51 with glycine.
Molecular consequence: missense variant.
Genome position (GRCh38, 1-based): chr11:68,003,744, G>C on the plus strand (C>G on the coding strand, the complement: UNC93B1 is on the minus strand). VCF-style: chr11-68003744-G-C. GRCh37 (hg19) VCF-style: chr11-67771214-G-C.
Other names: c.151C>G (NM_030930.2); short protein forms R51G.
Identifiers: ClinVar variation 844807 (VCV000844807.9), dbSNP rs906974288, ClinGen allele CA224219158.